The following is an entry in ClinVar:

ClinVar aggregate classification (germline): Uncertain significance (1 of 4 stars; one submission).

Submission:

Women's Health and Genetics/Laboratory Corporation of America, LabCorp
Classification: Uncertain significance. Last evaluated: 2025-11-13. Review status: criteria provided, single submitter. Criteria: LabCorp Variant Classification Summary - May 2015. Collection method: clinical testing. Allele origin: germline.
Comment: Variant summary: The variant involves the duplication of exons 1-13 in the TGM6 gene. This duplication includes the entire coding sequence of the gene. As exact breakpoints are unknown, it may extend beyond the annotated region of the gene, to include other flanking genes. A presumed nomenclature of c.(?_-69)_(*111_?)dup has been designated for the purposes of this classification. The variant was absent in 21694 control chromosomes. The available data on variant occurrences in the general population are insufficient to allow any conclusion about variant significance. To our knowledge, no occurrence of c.(?_-69)_(*111_?)dup in individuals affected with TGM6-related conditions and no experimental evidence demonstrating its impact on protein function have been reported. ClinVar contains an entry for this variant (Variation ID: 3248365). Based on the evidence outlined above, the variant was classified as uncertain significance.

NC_000020.10:g.(?_2361546)_(2413400_?)dup

Gene: TGM6 (transglutaminase 6; plus strand). Cytogenetic location: 20p13.
Variant type: Duplication.
Identifiers: ClinVar variation 4536753 (VCV004536753.1).